The following is an entry in ClinVar:

ClinVar aggregate classification (germline): Uncertain significance (1 of 4 stars; one submission).

gnomAD v4.1: 21 of 1,613,806 alleles (0.0013%); highest among the groups gnomAD compares: Middle Eastern, 0.033%; no homozygotes.

Submission:

GeneDx
Classification: Uncertain significance. Last evaluated: 2026-04-15. Review status: criteria provided, single submitter. Criteria: GeneDx Variant Classification Process June 2021. Collection method: clinical testing. Allele origin: germline.
Comment: In silico analysis suggests that this missense variant does not alter protein structure/function; Has not been previously published as pathogenic or benign to our knowledge

NM_000493.4(COL10A1):c.1108G>C (p.Ala370Pro)

Genes: COL10A1 (collagen type X alpha 1 chain; minus strand), NT5DC1 (5'-nucleotidase domain containing 1; plus strand). Cytogenetic location: 6q22.1.
Variant type: single nucleotide variant.
Coding change: c.1108G>C on transcript NM_000493.4 (MANE Select); coding-DNA position 1108, G replaced by C.
Protein change: p.Ala370Pro; replaces alanine 370 with proline.
Molecular consequence: missense variant. On other transcripts: intron variant (1).
Genome position (GRCh38, 1-based): chr6:116,121,008, C>G on the plus strand (G>C on the coding strand, the complement: COL10A1 is on the minus strand). VCF-style: chr6-116121008-C-G. GRCh37 (hg19) VCF-style: chr6-116442171-C-G.
Other names: c.1108G>C, p.Ala370Pro (NM_001424106.1, NM_001424107.1); c.529+3063C>G (NM_152729.3); short protein forms A370P.
Identifiers: ClinVar variation 5037262 (VCV005037262.1).